The following is an entry in ClinVar:

NM_001376.5(DYNC1H1):c.3156+3A>G

Gene: DYNC1H1 (dynein cytoplasmic 1 heavy chain 1; plus strand). Cytogenetic location: 14q32.31.
Variant type: single nucleotide variant.
Coding change: c.3156+3A>G on transcript NM_001376.5 (MANE Select); 3 bases into the intron after coding-DNA position 3156, A replaced by G.
Molecular consequence: intron variant.
Genome position (GRCh38, 1-based): chr14:101,994,327, A>G. VCF-style: chr14-101994327-A-G. GRCh37 (hg19) VCF-style: chr14-102460664-A-G.
Identifiers: ClinVar variation 2825817 (VCV002825817.3), dbSNP rs2503713578, ClinGen allele CA2739278999.

ClinVar aggregate classification (germline): Uncertain significance (1 of 4 stars; one submission).

Conditions:
Charcot-Marie-Tooth disease axonal type 2O. Also called: CHARCOT-MARIE-TOOTH NEUROPATHY, AXONAL, TYPE 2O; CHARCOT-MARIE-TOOTH DISEASE, AXONAL, AUTOSOMAL DOMINANT, TYPE 2O; Charcot-Marie-Tooth Neuropathy Type 2O; Charcot-Marie-Tooth disease, axonal, type 20. Identifiers: Orphanet 284232, MedGen C3280220, MONDO:0013644, OMIM 614228.

Submission:

Labcorp Genetics (formerly Invitae), Labcorp
Classification: Uncertain significance for Charcot-Marie-Tooth disease axonal type 2O. Last evaluated: 2023-01-05. Review status: criteria provided, single submitter. Criteria: Invitae Variant Classification Sherloc (09022015). Collection method: clinical testing. Allele origin: germline.
Comment: In summary, the available evidence is currently insufficient to determine the role of this variant in disease. Therefore, it has been classified as a Variant of Uncertain Significance. Variants that disrupt the consensus splice site are a relatively common cause of aberrant splicing (PMID: 17576681, 9536098). Algorithms developed to predict the effect of sequence changes on RNA splicing suggest that this variant is not likely to affect RNA splicing. This variant has not been reported in the literature in individuals affected with DYNC1H1-related conditions. This variant is not present in population databases (gnomAD no frequency). This sequence change falls in intron 12 of the DYNC1H1 gene. It does not directly change the encoded amino acid sequence of the DYNC1H1 protein. It affects a nucleotide within the consensus splice site.

Literature cited by the submitters: PubMed 17576681; PubMed 9536098.